The following is an entry in ClinVar:

NM_015559.3(SETBP1):c.486+1G>T

Gene: SETBP1 (SET binding protein 1; plus strand). Cytogenetic location: 18q12.3.
Variant type: single nucleotide variant.
Coding change: c.486+1G>T on transcript NM_015559.3 (MANE Select); the canonical splice donor site of the intron after coding-DNA position 486, G replaced by T.
Molecular consequence: splice donor variant.
Genome position (GRCh38, 1-based): chr18:44,701,833, G>T. VCF-style: chr18-44701833-G-T. GRCh37 (hg19) VCF-style: chr18-42281798-G-T.
Other names: c.486+1G>T (NM_001379141.1, NM_001130110.2, NM_001410862.1 and 1 more transcripts).
Identifiers: ClinVar variation 1504797 (VCV001504797.8), dbSNP rs2144199518, ClinGen allele CA402482291.

ClinVar aggregate classification (germline): Likely pathogenic (1 of 4 stars; one submission).

Submission:

Labcorp Genetics (formerly Invitae), Labcorp
Classification: Likely pathogenic. Last evaluated: 2021-04-29. Review status: criteria provided, single submitter. Criteria: Invitae Variant Classification Sherloc (09022015). Collection method: clinical testing. Allele origin: germline.
Comment: In summary, the currently available evidence indicates that the variant is pathogenic, but additional data are needed to prove that conclusively. Therefore, this variant has been classified as Likely Pathogenic. Algorithms developed to predict the effect of sequence changes on RNA splicing suggest that this variant may disrupt the consensus splice site, but this prediction has not been confirmed by published transcriptional studies. This sequence change affects a donor splice site in intron 2 of the SETBP1 gene. It is expected to disrupt RNA splicing. Variants that disrupt the donor or acceptor splice site typically lead to a loss of protein function (PMID: 16199547), and loss-of-function variants in SETBP1 are known to be pathogenic (PMID: 21037274, 25217958). This variant is not present in population databases (ExAC no frequency). This variant has not been reported in the literature in individuals with SETBP1-related conditions.

Literature cited by the submitters: PubMed 16199547; PubMed 21037274; PubMed 25217958.